The following is an entry in ClinVar:

ClinVar aggregate classification (germline): Uncertain significance (1 of 4 stars; one submission).

Conditions:
Familial thoracic aortic aneurysm and aortic dissection (TAAD). Also called: Thoracic aortic aneurysms and dissections. Identifiers: Orphanet 91387, MedGen C4707243, MONDO:0019625.

gnomAD v4.1: 2 of 1,612,832 alleles (0.00012%); highest among the groups gnomAD compares: South Asian, 0.0022%; no homozygotes.

Submission:

Ambry Genetics
Classification: Uncertain significance for Familial thoracic aortic aneurysm and aortic dissection. Last evaluated: 2024-06-14. Review status: criteria provided, single submitter. Criteria: Ambry Variant Classification Scheme 2023. Collection method: clinical testing. Allele origin: germline.
Comment: The p.G2188R variant (also known as c.6562G>C), located in coding exon 34 of the NOTCH1 gene, results from a G to C substitution at nucleotide position 6562. The glycine at codon 2188 is replaced by arginine, an amino acid with dissimilar properties. This amino acid position is conserved. In addition, the in silico prediction for this alteration is inconclusive. Based on the available evidence, the clinical significance of this variant remains unclear.

NM_017617.5(NOTCH1):c.6562G>C (p.Gly2188Arg)

Gene: NOTCH1 (notch receptor 1; minus strand). Cytogenetic location: 9q34.3.
Variant type: single nucleotide variant.
Coding change: c.6562G>C on transcript NM_017617.5 (MANE Select); coding-DNA position 6562, G replaced by C.
Protein change: p.Gly2188Arg; replaces glycine 2188 with arginine.
Molecular consequence: missense variant.
Genome position (GRCh38, 1-based): chr9:136,497,177, C>G on the plus strand (G>C on the coding strand, the complement: NOTCH1 is on the minus strand). VCF-style: chr9-136497177-C-G. GRCh37 (hg19) VCF-style: chr9-139391629-C-G.
Other names: short protein forms G2188R.
Identifiers: ClinVar variation 3300478 (VCV003300478.1).